The following is an entry in ClinVar:

NM_001011658.4(TRAPPC2):c.410A>C (p.His137Pro)

Gene: TRAPPC2 (trafficking protein particle complex subunit 2; minus strand). Cytogenetic location: Xp22.2.
Variant type: single nucleotide variant.
Coding change: c.410A>C on transcript NM_001011658.4 (MANE Select); coding-DNA position 410, A replaced by C.
Protein change: p.His137Pro; replaces histidine 137 with proline.
Molecular consequence: missense variant.
Genome position (GRCh38, 1-based): chrX:13,714,420, T>G on the plus strand (A>C on the coding strand, the complement: TRAPPC2 is on the minus strand). VCF-style: chrX-13714420-T-G. GRCh37 (hg19) VCF-style: chrX-13732539-T-G.
Other names: c.512A>C, p.His171Pro (NM_001128835.3); c.410A>C, p.His137Pro (NM_014563.6); short protein forms H137P, H171P.
Identifiers: ClinVar variation 1520870 (VCV001520870.8), dbSNP rs1425842137, ClinGen allele CA412322298.

ClinVar aggregate classification (germline): Uncertain significance (1 of 4 stars; one submission).

Submission:

Labcorp Genetics (formerly Invitae), Labcorp
Classification: Uncertain significance. Last evaluated: 2026-01-19. Review status: criteria provided, single submitter. Criteria: Invitae Variant Classification Sherloc (09022015). Collection method: clinical testing. Allele origin: germline.
Comment: This sequence change replaces histidine, which is basic and polar, with proline, which is neutral and non-polar, at codon 137 of the TRAPPC2 protein (p.His137Pro). This variant is not present in population databases (gnomAD no frequency). This variant has not been reported in the literature in individuals affected with TRAPPC2-related conditions. ClinVar contains an entry for this variant (Variation ID: 1520870). An algorithm developed to predict the effect of missense changes on protein structure and function (PolyPhen-2) suggests that this variant is likely to be disruptive. In summary, the available evidence is currently insufficient to determine the role of this variant in disease. Therefore, it has been classified as a Variant of Uncertain Significance.